The following is an entry in ClinVar:

ClinVar aggregate classification (germline): Uncertain significance (1 of 4 stars; one submission).

Conditions:
Inborn genetic diseases. Identifiers: MedGen C0950123, MeSH D030342.

gnomAD v4.1: 1 of 1,612,176 alleles (0.000062%); highest among the groups gnomAD compares: Non-Finnish European, 0.000085%; no homozygotes.

Submission:

Ambry Genetics
Classification: Uncertain significance for Inborn genetic diseases. Last evaluated: 2024-12-22. Review status: criteria provided, single submitter. Criteria: Ambry Variant Classification Scheme 2023. Collection method: clinical testing. Allele origin: germline.
Comment: The p.V598I variant (also known as c.1792G>A), located in coding exon 12 of the ERCC6L2 gene, results from a G to A substitution at nucleotide position 1792. The valine at codon 598 is replaced by isoleucine, an amino acid with highly similar properties. This amino acid position is conserved. In addition, the in silico prediction for this alteration is inconclusive. Based on the available evidence, the clinical significance of this variant remains unclear.

NM_020207.7(ERCC6L2):c.1792G>A (p.Val598Ile)

Gene: ERCC6L2 (ERCC excision repair 6 like 2; plus strand). Cytogenetic location: 9q22.32.
Variant type: single nucleotide variant.
Coding change: c.1792G>A on transcript NM_020207.7 (MANE Select); coding-DNA position 1792, G replaced by A.
Protein change: p.Val598Ile; replaces valine 598 with isoleucine.
Molecular consequence: missense variant. On other transcripts: non-coding transcript variant (1).
Genome position (GRCh38, 1-based): chr9:95,941,494, G>A. VCF-style: chr9-95941494-G-A. GRCh37 (hg19) VCF-style: chr9-98703776-G-A.
Other names: c.1792G>A, p.Val598Ile (NM_001010895.4, NM_001375291.1, NM_001375292.1 and 2 more transcripts); short protein forms V598I.
Identifiers: ClinVar variation 3845817 (VCV003845817.1).